The following is an entry in ClinVar:

NM_001105192.3(TLE3):c.975C>A (p.Asp325Glu)

Gene: TLE3 (TLE family member 3, transcriptional corepressor; minus strand). Cytogenetic location: 15q23.
Variant type: single nucleotide variant.
Coding change: c.975C>A on transcript NM_001105192.3 (MANE Select); coding-DNA position 975, C replaced by A.
Protein change: p.Asp325Glu; replaces aspartic acid 325 with glutamic acid.
Molecular consequence: missense variant.
Genome position (GRCh38, 1-based): chr15:70,058,235, G>T on the plus strand (C>A on the coding strand, the complement: TLE3 is on the minus strand). VCF-style: chr15-70058235-G-T. GRCh37 (hg19) VCF-style: chr15-70350574-G-T.
Other names: c.975C>A, p.Asp325Glu (NM_001282979.2, NM_001282980.2, NM_001438838.1 and 2 more transcripts); c.954C>A, p.Asp318Glu (NM_001282981.2); c.807C>A, p.Asp269Glu (NM_001282982.2); c.1005C>A, p.Asp335Glu (NM_001438147.1, NM_001438148.1); c.972C>A, p.Asp324Glu (NM_001438836.1, NM_001438837.1); short protein forms D269E, D318E, D325E, D324E, D335E.
Identifiers: ClinVar variation 4979459 (VCV004979459.1).

ClinVar aggregate classification (germline): Uncertain significance (1 of 4 stars; one submission).

Conditions:
TLE3-related condition.

gnomAD v4.1: 1 of 1,613,610 alleles (0.000062%); no homozygotes.

Submission:

PreventionGenetics, part of Exact Sciences
Classification: Uncertain significance for TLE3-related condition. Last evaluated: 2025-10-27. Review status: criteria provided, single submitter. Criteria: ACMG Guidelines, 2015. Collection method: clinical testing. Allele origin: germline.
Comment: The TLE3 c.975C>A variant is predicted to result in the amino acid substitution p.Asp325Glu. To our knowledge, this variant has not been reported in the literature or in a large population database (gnomAD), indicating this variant is rare. At this time, the clinical significance of this variant is uncertain due to the absence of conclusive functional and genetic evidence.